The following is an entry in ClinVar:

ClinVar aggregate classification (germline): Uncertain significance. Review status: criteria provided, multiple submitters, no conflicts (2 of 4 stars). 5 submissions from 5 submitters: Uncertain significance (5). Last evaluated 2025-05-20.

Conditions:
Inborn genetic diseases. Identifiers: MedGen C0950123, MeSH D030342.
Rafiq syndrome (RAFQS). Identifiers: Orphanet 88616, MedGen C3280127, MONDO:0013624, OMIM 614202.

Allele frequency attached by ClinVar (database versions not stated): gnomAD 0.00013; TOPMed 0.00014; 1000 Genomes Project 30x 0.00016; gnomAD exomes 0.00016; 1000 Genomes Project 0.00020; ExAC 0.00030.
gnomAD v4.1: 474 of 1,577,202 alleles (0.03%); highest among the groups gnomAD compares: Non-Finnish European, 0.037%; 1 homozygote.

Submissions (5):

Ambry Genetics
Classification: Uncertain significance for Inborn genetic diseases. Last evaluated: 2025-05-20. Review status: criteria provided, single submitter. Criteria: Ambry Variant Classification Scheme 2023. Collection method: clinical testing. Allele origin: germline.

Labcorp Genetics (formerly Invitae), Labcorp
Classification: Uncertain significance for Rafiq syndrome. Last evaluated: 2022-08-23. Review status: criteria provided, single submitter. Criteria: Invitae Variant Classification Sherloc (09022015). Collection method: clinical testing. Allele origin: germline.
Comment: This sequence change replaces cysteine, which is neutral and slightly polar, with tryptophan, which is neutral and slightly polar, at codon 71 of the MAN1B1 protein (p.Cys71Trp). This variant is present in population databases (rs575361734, gnomAD 0.03%). This variant has not been reported in the literature in individuals affected with MAN1B1-related conditions. ClinVar contains an entry for this variant (Variation ID: 211427). Algorithms developed to predict the effect of missense changes on protein structure and function are either unavailable or do not agree on the potential impact of this missense change (SIFT: "Tolerated"; PolyPhen-2: "Possibly Damaging"; Align-GVGD: "Class C0"). In summary, the available evidence is currently insufficient to determine the role of this variant in disease. Therefore, it has been classified as a Variant of Uncertain Significance.

GeneDx
Classification: Uncertain significance. Last evaluated: 2022-07-13. Review status: criteria provided, single submitter. Criteria: GeneDx Variant Classification Process June 2021. Collection method: clinical testing. Allele origin: germline. Affected: yes.
Comment: In silico analysis supports that this missense variant has a deleterious effect on protein structure/function; Has not been previously published as pathogenic or benign to our knowledge

Illumina Laboratory Services, Illumina
Classification: Uncertain significance for Rafiq syndrome. Last evaluated: 2018-01-13. Review status: criteria provided, single submitter. Criteria: ICSL Variant Classification Criteria 13 December 2019. Collection method: clinical testing. Allele origin: germline.

Genetic Services Laboratory, University of Chicago
Classification: Uncertain significance. Last evaluated: 2015-06-01. Review status: criteria provided, single submitter. Criteria: ACMG Guidelines, 2015. Collection method: clinical testing. Allele origin: germline.

NM_016219.5(MAN1B1):c.213C>G (p.Cys71Trp)

Genes: MAN1B1 (mannosidase alpha class 1B member 1; plus strand), LOC130003079 (ATAC-STARR-seq lymphoblastoid silent region 20579; plus strand). Cytogenetic location: 9q34.3.
Variant type: single nucleotide variant.
Coding change: c.213C>G on transcript NM_016219.5 (MANE Select); coding-DNA position 213, C replaced by G.
Protein change: p.Cys71Trp; replaces cysteine 71 with tryptophan.
Molecular consequence: missense variant. On other transcripts: non-coding transcript variant (2).
Genome position (GRCh38, 1-based): chr9:137,087,212, C>G. VCF-style: chr9-137087212-C-G. GRCh37 (hg19) VCF-style: chr9-139981664-C-G.
Other names: short protein forms C71W.
Identifiers: ClinVar variation 211427 (VCV000211427.14), dbSNP rs575361734, ClinGen allele CA206020.